The following is an entry in ClinVar:

NM_006236.3(POU3F3):c.1139T>C (p.Leu380Pro)

Gene: POU3F3 (POU class 3 homeobox 3; plus strand). Cytogenetic location: 2q12.1.
Variant type: single nucleotide variant.
Coding change: c.1139T>C on transcript NM_006236.3 (MANE Select); coding-DNA position 1139, T replaced by C.
Protein change: p.Leu380Pro; replaces leucine 380 with proline.
Molecular consequence: missense variant.
Genome position (GRCh38, 1-based): chr2:104,856,649, T>C. VCF-style: chr2-104856649-T-C. GRCh37 (hg19) VCF-style: chr2-105473107-T-C.
Other names: short protein forms L380P.
Identifiers: ClinVar variation 2572512 (VCV002572512.1), dbSNP rs2466876686, ClinGen allele CA348098295.

ClinVar aggregate classification (germline): Uncertain significance (1 of 4 stars; one submission).

Conditions:
Snijders blok-fisher syndrome. Identifiers: Orphanet 656135, MedGen C5231424, MONDO:0032830, OMIM 618604.

Submission:

3billion
Classification: Uncertain significance for Snijders blok-fisher syndrome. Review status: criteria provided, single submitter. Criteria: ACMG Guidelines, 2015. Collection method: clinical testing. Allele origin: unknown. Affected: yes. Observed: 1 heterozygote.
Comment: The variant is not observed in the gnomAD v2.1.1 dataset. In silico tool predictions suggest damaging effect of the variant on gene or gene product (REVEL: 0.89; 3Cnet: 0.99). Therefore, this variant is classified as Uncertain significance according to the recommendation of ACMG/AMP guideline.